The following is an entry in ClinVar:

ClinVar aggregate classification (germline): Uncertain significance (1 of 4 stars; one submission).

Conditions:
Inborn genetic diseases. Identifiers: MedGen C0950123, MeSH D030342.

Allele frequency attached by ClinVar (database versions not stated): gnomAD 0.00001; gnomAD exomes 0.00001; TOPMed 0.00001.
gnomAD v4.1: 5 of 1,613,520 alleles (0.00031%); highest among the groups gnomAD compares: Non-Finnish European, 0.00042%; no homozygotes.

Submission:

Ambry Genetics
Classification: Uncertain significance for Inborn genetic diseases. Last evaluated: 2022-04-27. Review status: criteria provided, single submitter. Criteria: Ambry Variant Classification Scheme 2023. Collection method: clinical testing. Allele origin: germline.
Comment: The p.Y1159C variant (also known as c.3476A>G), located in coding exon 26 of the DST gene, results from an A to G substitution at nucleotide position 3476. The tyrosine at codon 1159 is replaced by cysteine, an amino acid with highly dissimilar properties. This amino acid position is well conserved in available vertebrate species. In addition, this alteration is predicted to be deleterious by in silico analysis. Since supporting evidence is limited at this time, the clinical significance of this alteration remains unclear.

NM_001374736.1(DST):c.3575A>G (p.Tyr1192Cys)

Gene: DST (dystonin; minus strand). Cytogenetic location: 6p12.1.
Variant type: single nucleotide variant.
Coding change: c.3575A>G on transcript NM_001374736.1 (MANE Select); coding-DNA position 3575, A replaced by G.
Protein change: p.Tyr1192Cys; replaces tyrosine 1192 with cysteine.
Molecular consequence: missense variant.
Genome position (GRCh38, 1-based): chr6:56,634,178, T>C on the plus strand (A>G on the coding strand, the complement: DST is on the minus strand). VCF-style: chr6-56634178-T-C. GRCh37 (hg19) VCF-style: chr6-56498976-T-C.
Other names: c.3476A>G, p.Tyr1159Cys (NM_001144769.5); c.3062A>G, p.Tyr1021Cys (NM_001144770.2); c.3575A>G, p.Tyr1192Cys (NM_001374722.1); c.2942A>G, p.Tyr981Cys (NM_001374729.1, NM_001374730.1, NM_001386100.1 and 1 more transcripts); c.3602A>G, p.Tyr1201Cys (NM_001374734.1); c.1964A>G, p.Tyr655Cys (NM_001723.7, NM_015548.5); short protein forms Y981C, Y1021C, Y1201C, Y655C, Y1159C, Y1192C.
Identifiers: ClinVar variation 1731783 (VCV001731783.2), dbSNP rs968613595, ClinGen allele CA139217463.